The following is an entry in ClinVar:

ClinVar aggregate classification (germline): Uncertain significance (1 of 4 stars; one submission).

Submission:

CeGaT Center for Human Genetics Tuebingen
Classification: Uncertain significance. Last evaluated: 2024-04-01. Review status: criteria provided, single submitter. Criteria: CeGaT Center For Human Genetics Tuebingen Variant Classification Criteria Version 2. Collection method: clinical testing. Allele origin: germline. Affected: yes. Observed: 1 variant allele.
Comment: ARID1A: PM2

NM_006015.6(ARID1A):c.3362C>T (p.Ala1121Val)

Gene: ARID1A (AT-rich interaction domain 1A; plus strand). Cytogenetic location: 1p36.11.
Variant type: single nucleotide variant.
Coding change: c.3362C>T on transcript NM_006015.6 (MANE Select); coding-DNA position 3362, C replaced by T.
Protein change: p.Ala1121Val; replaces alanine 1121 with valine.
Molecular consequence: missense variant.
Genome position (GRCh38, 1-based): chr1:26,771,282, C>T. VCF-style: chr1-26771282-C-T. GRCh37 (hg19) VCF-style: chr1-27097773-C-T.
Other names: c.3362C>T, p.Ala1121Val (NM_139135.4); short protein forms A1121V.
Identifiers: ClinVar variation 3234696 (VCV003234696.20), dbSNP rs1335520662, ClinGen allele CA339165327.